The following is an entry in ClinVar:

NM_177438.3(DICER1):c.4893T>C (p.Ser1631=)

Gene: DICER1 (dicer 1, ribonuclease III; minus strand). Cytogenetic location: 14q32.13.
Variant type: single nucleotide variant.
Coding change: c.4893T>C on transcript NM_177438.3 (MANE Select); coding-DNA position 4893, T replaced by C.
Protein change: p.Ser1631=; no amino-acid change (serine 1631 retained).
Molecular consequence: synonymous variant. On other transcripts: non-coding transcript variant (6).
Genome position (GRCh38, 1-based): chr14:95,096,027, A>G on the plus strand (T>C on the coding strand, the complement: DICER1 is on the minus strand). VCF-style: chr14-95096027-A-G. GRCh37 (hg19) VCF-style: chr14-95562364-A-G.
Other names: c.4893T>C, p.Ser1631= (NM_001195573.1, NM_001271282.3, NM_001291628.2 and 13 more transcripts); c.4611T>C, p.Ser1537= (NM_001395686.1); c.4488T>C, p.Ser1496= (NM_001395687.1, NM_001395688.1, NM_001395689.1 and 2 more transcripts); c.4326T>C, p.Ser1442= (NM_001395691.1); c.3210T>C, p.Ser1070= (NM_001395697.1).
Identifiers: ClinVar variation 2704856 (VCV002704856.4), dbSNP rs2542481663, ClinGen allele CA487844004.

ClinVar aggregate classification (germline): Benign/Likely benign. Review status: criteria provided, multiple submitters, no conflicts (2 of 4 stars). 2 submissions from 2 submitters: Benign (1); Likely benign (1). Last evaluated 2026-08-19.

Conditions:
DICER1-related tumor predisposition. Also called: DICER1-related pleuropulmonary blastoma cancer predisposition syndrome; DICER1 syndrome. Identifiers: Orphanet 284343, MedGen C3839822, MONDO:0100216.

Submissions (2):

Myriad Genetics, Inc.
Classification: Benign for DICER1-related tumor predisposition. Last evaluated: 2026-08-19. Review status: criteria provided, single submitter. Criteria: Myriad Autosomal Dominant, Autosomal Recessive and X-Linked Classification Criteria (2023). Collection method: clinical testing. Allele origin: unknown.
Comment: This variant is considered benign. This variant is a silent/synonymous amino acid change and it is not expected to impact splicing.

Labcorp Genetics (formerly Invitae), Labcorp
Classification: Likely benign for DICER1-related tumor predisposition. Last evaluated: 2023-12-22. Review status: criteria provided, single submitter. Criteria: Invitae Variant Classification Sherloc (09022015). Collection method: clinical testing. Allele origin: germline.